The following is an entry in ClinVar:

ClinVar aggregate classification (germline): Uncertain significance. Review status: criteria provided, multiple submitters, no conflicts (2 of 4 stars). 5 submissions from 5 submitters: Uncertain significance (5). Last evaluated 2026-04-02.

Conditions:
Aortic aneurysm, familial thoracic 4 (AAT4). Also called: AORTIC ANEURYSM/AORTIC DISSECTION AND PATENT DUCTUS ARTERIOSUS. Identifiers: MedGen C1851504, MONDO:0007568, OMIM 132900.
Familial thoracic aortic aneurysm and aortic dissection (TAAD). Also called: Thoracic aortic aneurysms and dissections. Identifiers: Orphanet 91387, MedGen C4707243, MONDO:0019625.

Allele frequency attached by ClinVar (database versions not stated): gnomAD exomes below 0.00001; gnomAD 0.00001; TOPMed below 0.00001.
gnomAD v4.1: 6 of 1,614,092 alleles (0.00037%); highest among the groups gnomAD compares: Admixed American, 0.005%; no homozygotes.

Submissions (5):

Ambry Genetics
Classification: Uncertain significance for Familial thoracic aortic aneurysm and aortic dissection. Last evaluated: 2026-04-02. Review status: criteria provided, single submitter. Criteria: Ambry Variant Classification Scheme 2023. Collection method: clinical testing. Allele origin: germline.
Comment: The p.R400H variant (also known as c.1199G>A), located in coding exon 10 of the MYH11 gene, results from a G to A substitution at nucleotide position 1199. The arginine at codon 400 is replaced by histidine, an amino acid with highly similar properties. This amino acid position is conserved. In addition, this alteration is predicted to be deleterious by in silico analysis. Based on the available evidence, the clinical significance of this variant remains unclear.

Labcorp Genetics (formerly Invitae), Labcorp
Classification: Uncertain significance for Aortic aneurysm, familial thoracic 4. Last evaluated: 2025-10-21. Review status: criteria provided, single submitter. Criteria: Invitae Variant Classification Sherloc (09022015). Collection method: clinical testing. Allele origin: germline.
Comment: This sequence change replaces arginine, which is basic and polar, with histidine, which is basic and polar, at codon 407 of the MYH11 protein (p.Arg407His). This variant is present in population databases (rs767036635, gnomAD 0.003%). This variant has not been reported in the literature in individuals affected with MYH11-related conditions. ClinVar contains an entry for this variant (Variation ID: 921584). Invitae Evidence Modeling of protein sequence and biophysical properties (such as structural, functional, and spatial information, amino acid conservation, physicochemical variation, residue mobility, and thermodynamic stability) indicates that this missense variant is not expected to disrupt MYH11 protein function with a negative predictive value of 95%. In summary, the available evidence is currently insufficient to determine the role of this variant in disease. Therefore, it has been classified as a Variant of Uncertain Significance.

Dasa
Classification: Uncertain significance. Last evaluated: 2025-05-12. Review status: criteria provided, single submitter. Criteria: DASA Assertion Criteria. Collection method: clinical testing. Allele origin: germline.
Comment: NM_002474.3(MYH11):c.1199G>A (p.Arg400His) is a missense variant that results in the substitution of arginine with histidine. This variant is rare in population databases. Computational prediction algorithms are consistent with a deleterious effect. The currently available literature and clinical evidence are not sufficient to establish a definitive association between this variant and the reported condition. Therefore, this variant is classified as a variant of uncertain significance.

All of Us Research Program, National Institutes of Health
Classification: Uncertain significance for Familial thoracic aortic aneurysm and aortic dissection. Last evaluated: 2023-12-01. Review status: criteria provided, single submitter. Criteria: ACMG Guidelines, 2015. Collection method: clinical testing. Allele origin: germline. Inheritance: Autosomal dominant inheritance. Observed: 1 variant allele, 1 heterozygote.
Comment: This missense variant replaces arginine with histidine at codon 407 of the MYH11 protein. Computational prediction suggests that this variant may have deleterious impact on protein structure and function (internally defined REVEL score threshold >= 0.7, PMID: 27666373). To our knowledge, functional studies have not been reported for this variant. This variant has not been reported in individuals affected with cardiovascular disorders in the literature. This variant has been identified in 1/251494 chromosomes in the general population by the Genome Aggregation Database (gnomAD). The available evidence is insufficient to determine the role of this variant in disease conclusively. Therefore, this variant is classified as a Variant of Uncertain Significance.

This study involves interpretation of variants in research participants for the purpose of population health screening. Participant phenotype was not available at the time of variant classification. Additional details can be found in publication PMID: 35346344, PMCID: PMC8962531

Color Diagnostics, LLC DBA Color Health
Classification: Uncertain significance for Familial thoracic aortic aneurysm and aortic dissection. Last evaluated: 2021-07-06. Review status: criteria provided, single submitter. Criteria: ACMG Guidelines, 2015. Collection method: clinical testing. Allele origin: germline.
Comment: This missense variant replaces arginine with histidine at codon 407 of the MYH11 protein. Computational prediction suggests that this variant may have deleterious impact on protein structure and function (internally defined REVEL score threshold >= 0.7, PMID: 27666373). To our knowledge, functional studies have not been reported for this variant. This variant has not been reported in individuals affected with cardiovascular disorders in the literature. This variant has been identified in 1/251494 chromosomes in the general population by the Genome Aggregation Database (gnomAD). The available evidence is insufficient to determine the role of this variant in disease conclusively. Therefore, this variant is classified as a Variant of Uncertain Significance.

NM_002474.3(MYH11):c.1199G>A (p.Arg400His)

Gene: MYH11 (myosin heavy chain 11; minus strand). Cytogenetic location: 16p13.11.
Variant type: single nucleotide variant.
Coding change: c.1199G>A on transcript NM_002474.3 (MANE Select); coding-DNA position 1199, G replaced by A.
Protein change: p.Arg400His; replaces arginine 400 with histidine.
Molecular consequence: missense variant.
Genome position (GRCh38, 1-based): chr16:15,760,589, C>T on the plus strand (G>A on the coding strand, the complement: MYH11 is on the minus strand). VCF-style: chr16-15760589-C-T. GRCh37 (hg19) VCF-style: chr16-15854446-C-T.
Other names: c.1199G>A (NM_002474.2); c.1220G>A, p.Arg407His (NM_001040113.2, NM_001040114.2); c.1199G>A, p.Arg400His (NM_022844.3); short protein forms R400H, R407H.
Identifiers: ClinVar variation 921584 (VCV000921584.8), dbSNP rs767036635, ClinGen allele CA7922680.